The following is an entry in ClinVar:

NM_000384.3(APOB):c.*180G>T

Genes: APOB3'MAR (APOB 3' scaffold/matrix attachment region; plus strand), APOB (apolipoprotein B; minus strand). Cytogenetic location: 2p24.1.
Variant type: single nucleotide variant.
Coding change: c.*180G>T on transcript NM_000384.3 (MANE Select); 180 bases downstream of the stop codon, G replaced by T.
Molecular consequence: 3 prime UTR variant.
Genome position (GRCh38, 1-based): chr2:21,001,550, C>A on the plus strand (G>T on the coding strand, the complement: APOB is on the minus strand). VCF-style: chr2-21001550-C-A. GRCh37 (hg19) VCF-style: chr2-21224422-C-A.
Identifiers: ClinVar variation 334059 (VCV000334059.10), dbSNP rs12720763, ClinGen allele CA10612667.

ClinVar aggregate classification (germline): Conflicting classifications of pathogenicity. Review status: criteria provided, conflicting classifications (1 of 4 stars). 4 submissions from 3 submitters: Uncertain significance (1); Benign (2); Likely benign (1). Last evaluated 2026-08-01.

Conditions:
Familial hypobetalipoproteinemia 1. Also called: APOB-Related Familial Hypobetalipoproteinemia; Hypobetalipoproteinemia, normotriglyceridemic; Acanthocytosis with hypobetalipoproteinemia. Identifiers: MedGen C4551990, MONDO:0014252, OMIM 615558.
Familial hypercholesterolemia. Also called: Familial hypercholesterolemias; Familial hypercholesterolaemia. Identifiers: MedGen C0020445, MONDO:0005439.
Hypercholesterolemia, autosomal dominant, type B (FHCL2). Also called: Hyperlipoproteinemia Type IIb; Familial hypercholesterolemia 2; APOB-Related Familial Hypercholesterolemia, Autosomal Dominant; HYPERCHOLESTEROLEMIA, FAMILIAL, DUE TO LIGAND-DEFECTIVE APOLIPOPROTEIN B; Familial Hypercholesterolemia Type B; APOLIPOPROTEIN B-100, FAMILIAL DEFECTIVE. Identifiers: MedGen C1704417, MONDO:0007751, OMIM 144010.

Allele frequency attached by ClinVar (database versions not stated): TOPMed 0.00720; 1000 Genomes Project 0.01018; 1000 Genomes Project 30x 0.01093.
gnomAD v4.1: 1,900 of 604,946 alleles (0.31%); highest among the groups gnomAD compares: African/African-American, 2.5%; 21 homozygotes.

Submissions (4):

CeGaT Center for Human Genetics Tuebingen
Classification: Benign. Last evaluated: 2026-08-01. Review status: criteria provided, single submitter. Criteria: CeGaT Center For Human Genetics Tuebingen Variant Classification Criteria Version 2. Collection method: clinical testing. Allele origin: germline. Affected: yes. Observed: 2 variant alleles.
Comment: APOB: BS1, BS2

GENinCode PLC
Classification: Benign for Familial hypercholesterolemia. Last evaluated: 2022-06-21. Review status: criteria provided, single submitter. Criteria: ACMG Guidelines, 2015. Collection method: clinical testing. Allele origin: germline.

Illumina Laboratory Services, Illumina
Classification: Uncertain significance for Familial hypobetalipoproteinemia 1. Last evaluated: 2018-01-13. Review status: criteria provided, single submitter. Criteria: ICSL Variant Classification Criteria 13 December 2019. Collection method: clinical testing. Allele origin: germline.

Illumina Laboratory Services, Illumina
Classification: Likely benign for Hypercholesterolemia, autosomal dominant, type B. Last evaluated: 2018-01-13. Review status: criteria provided, single submitter. Criteria: ICSL Variant Classification Criteria 13 December 2019. Collection method: clinical testing. Allele origin: germline.
Comment: This variant was observed in the ICSL laboratory as part of a predisposition screen in an ostensibly healthy population. It had not been previously curated by ICSL or reported in the Human Gene Mutation Database (HGMD: prior to June 1st, 2018), and was therefore a candidate for classification through an automated scoring system. Utilizing variant allele frequency, disease prevalence and penetrance estimates, and inheritance mode, an automated score was calculated to assess if this variant is too frequent to cause the disease. Based on the score and internal cut-off values, a variant classified as likely benign is not then subjected to further curation. The score for this variant resulted in a classification of likely benign for this disease.